The following is an entry in ClinVar:

ClinVar aggregate classification (germline): Uncertain significance (1 of 4 stars; one submission).

Allele frequency attached by ClinVar (database versions not stated): gnomAD exomes below 0.00001.
gnomAD v4.1: 1 of 1,602,620 alleles (0.000062%); highest among the groups gnomAD compares: Non-Finnish European, 0.000085%; no homozygotes.

Submission:

Ambry Genetics
Classification: Uncertain significance. Last evaluated: 2024-03-13. Review status: criteria provided, single submitter. Criteria: Ambry Variant Classification Scheme 2023. Collection method: clinical testing. Allele origin: germline.
Comment: The p.Q823R variant (also known as c.2468A>G), located in coding exon 21 of the BUB1 gene, results from an A to G substitution at nucleotide position 2468. The glutamine at codon 823 is replaced by arginine, an amino acid with highly similar properties. This amino acid position is conserved. In addition, this alteration is predicted to be deleterious by in silico analysis. Based on the available evidence, the clinical significance of this alteration remains unclear.

NM_004336.5(BUB1):c.2468A>G (p.Gln823Arg)

Gene: BUB1 (BUB1 mitotic checkpoint serine/threonine kinase; minus strand). Cytogenetic location: 2q13.
Variant type: single nucleotide variant.
Coding change: c.2468A>G on transcript NM_004336.5 (MANE Select); coding-DNA position 2468, A replaced by G.
Protein change: p.Gln823Arg; replaces glutamine 823 with arginine.
Molecular consequence: missense variant.
Genome position (GRCh38, 1-based): chr2:110,641,799, T>C on the plus strand (A>G on the coding strand, the complement: BUB1 is on the minus strand). VCF-style: chr2-110641799-T-C. GRCh37 (hg19) VCF-style: chr2-111399376-T-C.
Other names: c.2408A>G, p.Gln803Arg (NM_001278616.2); c.2468A>G, p.Gln823Arg (NM_001278617.2); short protein forms Q803R, Q823R.
Identifiers: ClinVar variation 3224048 (VCV003224048.1), dbSNP rs2467972490, ClinGen allele CA348090687.
Genomic context (GRCh38, chr2:110,641,799, plus strand): 5'-GGCTTTAGTCTTTCCATCAACTGGGTCCCAATGTAGAATTCCCAGGGGTTGGCAGGCTTT[T>C]GGACCTGCAAATCAGGTATGTGAAATTCATATCCAATCTCGTATTCTGAAAAATGATAGC-3'
Protein context (NP_004327.1, residues 813-833): KNKQKFVLKV[Gln823Arg]KPANPWEFYI